The following is an entry in ClinVar:

ClinVar aggregate classification (germline): Uncertain significance (1 of 4 stars; one submission).

Conditions:
Hereditary cancer-predisposing syndrome. Also called: Neoplastic Syndromes, Hereditary; Tumor predisposition; Hereditary Cancer Syndrome; Hereditary neoplastic syndrome. Identifiers: Orphanet 140162, MedGen C0027672, MeSH D009386, MONDO:0015356.

Submission:

Ambry Genetics
Classification: Uncertain significance for Hereditary cancer-predisposing syndrome. Last evaluated: 2024-08-20. Review status: criteria provided, single submitter. Criteria: Ambry Variant Classification Scheme 2023. Collection method: clinical testing. Allele origin: germline.
Comment: The p.G1256W variant (also known as c.3766G>T), located in coding exon 30 of the POLE gene, results from a G to T substitution at nucleotide position 3766. The glycine at codon 1256 is replaced by tryptophan, an amino acid with highly dissimilar properties. This amino acid position is conserved. In addition, the in silico prediction for this alteration is inconclusive. Based on the available evidence, the clinical significance of this variant remains unclear.

NM_006231.4(POLE):c.3766G>T (p.Gly1256Trp)

Gene: POLE (DNA polymerase epsilon, catalytic subunit; minus strand). Cytogenetic location: 12q24.33.
Variant type: single nucleotide variant.
Coding change: c.3766G>T on transcript NM_006231.4 (MANE Select); coding-DNA position 3766, G replaced by T.
Protein change: p.Gly1256Trp; replaces glycine 1256 with tryptophan.
Molecular consequence: missense variant.
Genome position (GRCh38, 1-based): chr12:132,649,706, C>A on the plus strand (G>T on the coding strand, the complement: POLE is on the minus strand). VCF-style: chr12-132649706-C-A. GRCh37 (hg19) VCF-style: chr12-133226292-C-A.
Other names: short protein forms G1256W.
Identifiers: ClinVar variation 3422139 (VCV003422139.1).